The following is an entry in ClinVar:

ClinVar aggregate classification (germline): Likely benign. Review status: criteria provided, single submitter (1 of 4 stars). 2 submissions from 2 submitters: Likely benign (1). 1 of the submissions does not count toward it. Last evaluated 2025-12-22.

Conditions:
OCA2-related disorder. Also called: OCA2-related condition.

Allele frequency attached by ClinVar (database versions not stated): gnomAD exomes 0.00001; TOPMed 0.00001; gnomAD 0.00001; ExAC 0.00001.
gnomAD v4.1: 13 of 1,614,104 alleles (0.00081%); highest among the groups gnomAD compares: Middle Eastern, 0.033%; no homozygotes.

Submissions (2):

Labcorp Genetics (formerly Invitae), Labcorp
Classification: Likely benign. Last evaluated: 2025-12-22. Review status: criteria provided, single submitter. Criteria: Invitae Variant Classification Sherloc (09022015). Collection method: clinical testing. Allele origin: germline.

PreventionGenetics, part of Exact Sciences
Classification: Likely benign for OCA2-related condition. Last evaluated: 2019-07-03. Review status: no assertion criteria provided. Collection method: clinical testing. Allele origin: germline. Not counted in ClinVar's aggregate classification.
Comment: This variant is classified as likely benign based on ACMG/AMP sequence variant interpretation guidelines (Richards et al. 2015 PMID: 25741868, with internal and published modifications).

NM_000275.3(OCA2):c.537A>G (p.Lys179=)

Gene: OCA2 (OCA2 melanosomal transmembrane protein; minus strand). Cytogenetic location: 15q13.1.
Variant type: single nucleotide variant.
Coding change: c.537A>G on transcript NM_000275.3 (MANE Select); coding-DNA position 537, A replaced by G.
Protein change: p.Lys179=; no amino-acid change (lysine 179 retained).
Molecular consequence: synonymous variant.
Genome position (GRCh38, 1-based): chr15:28,024,881, T>C on the plus strand (A>G on the coding strand, the complement: OCA2 is on the minus strand). VCF-style: chr15-28024881-T-C. GRCh37 (hg19) VCF-style: chr15-28270027-T-C.
Other names: c.537A>G (NM_000275.2); c.537A>G, p.Lys179= (NM_001300984.2).
Identifiers: ClinVar variation 1975498 (VCV001975498.7), dbSNP rs779864536, ClinGen allele CA7439448.